The following is an entry in ClinVar:

ClinVar aggregate classification (germline): Conflicting classifications of pathogenicity. Review status: criteria provided, conflicting classifications (1 of 4 stars). 3 submissions from 3 submitters: Uncertain significance (2); Likely benign (1). Last evaluated 2025-09-23.

Conditions:
Charcot-Marie-Tooth disease X-linked dominant 1. Also called: Charcot-Marie-Tooth Neuropathy X Type 1; CHARCOT-MARIE-TOOTH NEUROPATHY, X-LINKED, 1; CHARCOT-MARIE-TOOTH PERONEAL MUSCULAR ATROPHY, X-LINKED; HEREDITARY MOTOR AND SENSORY NEUROPATHY, X-LINKED; HMSN, X-LINKED; X-linked Charcot-Marie-Tooth disease type 1. Identifiers: Orphanet 101075, MedGen C0393808, MONDO:0010549, OMIM 302800.

Allele frequency attached by ClinVar (database versions not stated): TOPMed 0.00002.
gnomAD v4.1: 12 of 199,962 alleles (0.006%); highest among the groups gnomAD compares: Non-Finnish European, 0.01%; no homozygotes.

Submissions (3):

Mayo Clinic Laboratories, Mayo Clinic
Classification: Likely benign. Last evaluated: 2025-09-23. Review status: criteria provided, single submitter. Criteria: ACMG Guidelines, 2015. Collection method: clinical testing. Allele origin: germline. Observed: 1 variant allele.
Comment: BS4, BP4, BP7

GeneDx
Classification: Uncertain significance. Last evaluated: 2024-12-06. Review status: criteria provided, single submitter. Criteria: GeneDx Variant Classification Process June 2021. Collection method: clinical testing. Allele origin: germline. Affected: yes.
Comment: Published functional studies suggest that this variant does not affect internal ribosomal entry site but may have a deleterious effect on GJB1 expression; however, additional studies are needed (PMID: 34089394); Located in a regulatory region; in the absence of functional studies, the actual effect of this sequence change is unknown; Not observed at significant frequency in large population cohorts (gnomAD); This variant is associated with the following publications: (PMID: 28283593, 12205128, 34089394)

Illumina Laboratory Services, Illumina
Classification: Uncertain significance for Charcot-Marie-Tooth disease X-linked dominant 1. Last evaluated: 2018-03-30. Review status: criteria provided, single submitter. Criteria: ICSL Variant Classification Criteria 13 December 2019. Collection method: clinical testing. Allele origin: germline.

Literature cited by the submitters: PubMed 12205128 (cited by Mayo Clinic Laboratories, Mayo Clinic); PubMed 34089394 (cited by Mayo Clinic Laboratories, Mayo Clinic).

NM_000166.6(GJB1):c.-102G>A

Gene: GJB1 (gap junction protein beta 1; plus strand). Cytogenetic location: Xq13.1.
Variant type: single nucleotide variant.
Coding change: c.-102G>A on transcript NM_000166.6 (MANE Select); 102 bases upstream of the start codon, G replaced by A.
Molecular consequence: 5 prime UTR variant. On other transcripts: intron variant (1).
Genome position (GRCh38, 1-based): chrX:71,223,250, G>A. VCF-style: chrX-71223250-G-A. GRCh37 (hg19) VCF-style: chrX-70443100-G-A.
Other names: c.-16-442G>A (NM_001097642.3).
Identifiers: ClinVar variation 913594 (VCV000913594.6), dbSNP rs753207004, ClinGen allele CA330997549.